The following is an entry in ClinVar:

NM_000094.4(COL7A1):c.5287C>T (p.Arg1763Ter)

Gene: COL7A1 (collagen type VII alpha 1 chain; minus strand). Cytogenetic location: 3p21.31.
Variant type: single nucleotide variant.
Coding change: c.5287C>T on transcript NM_000094.4 (MANE Select); coding-DNA position 5287, C replaced by T.
Protein change: p.Arg1763Ter; replaces arginine 1763 with a stop codon.
Molecular consequence: nonsense.
Genome position (GRCh38, 1-based): chr3:48,579,389, G>A on the plus strand (C>T on the coding strand, the complement: COL7A1 is on the minus strand). VCF-style: chr3-48579389-G-A. GRCh37 (hg19) VCF-style: chr3-48616822-G-A.
Other names: c.5287C>T (NM_000094.3); short protein forms R1763*.
Identifiers: ClinVar variation 1048040 (VCV001048040.11), dbSNP rs1360704374, ClinGen allele CA352676333.

ClinVar aggregate classification (germline): Pathogenic. Review status: criteria provided, multiple submitters, no conflicts (2 of 4 stars). 6 submissions from 6 submitters: Pathogenic (6). Last evaluated 2025-12-08.

Conditions:
Recessive dystrophic epidermolysis bullosa (RDEB). Also called: severe generalized recessive dystrophic epidermolysis bullosa; EPIDERMOLYSIS BULLOSA DYSTROPHICA, GENERALIZED SEVERE, AUTOSOMAL RECESSIVE; Epidermolysis Bullosa Distrophica Autosomal Recessive (RDEB); DYSTROPHIC EPIDERMOLYSIS BULLOSA, AUTOSOMAL RECESSIVE; EPIDERMOLYSIS BULLOSA DYSTROPHICA, HALLOPEAU-SIEMENS TYPE; epidermolysis bullosa dystrophica, autosomal recessive. Identifiers: Orphanet 79408, Orphanet 79409, MedGen C0079474, MONDO:0009179, OMIM 226600.
COL7A1-related disorder. Also called: COL7A1-related condition; COL7A1- related disorders.
Epidermolysis bullosa dystrophica. Also called: Dystrophic epidermolysis bullosa, Hallopeau-Siemens type (formerly); Dystrophic epidermolysis bullosa. Identifiers: Orphanet 303, MedGen C0079294, MONDO:0006543.

Allele frequency attached by ClinVar (database versions not stated): gnomAD exomes below 0.00001 and 0.00001; TOPMed 0.00001.
gnomAD v4.1: 9 of 1,614,124 alleles (0.00056%); highest among the groups gnomAD compares: South Asian, 0.0033%; no homozygotes.

Submissions (6):

3billion
Classification: Pathogenic for COL7A1-related disorder. Last evaluated: 2025-12-08. Review status: criteria provided, single submitter. Criteria: ACMG Guidelines, 2015. Collection method: clinical testing. Allele origin: germline. Affected: yes.
Comment: The variant is observed at an extremely low frequency in the gnomAD v4.1.0 dataset (total allele frequency: <0.001%). Predicted Consequence/Location: Stop-gained (nonsense): predicted to result in a loss or disruption of normal protein function through nonsense-mediated decay (NMD) or protein truncation. Multiple pathogenic variants are reported downstream of the variant. The variant has been reported at least twice as pathogenic with clinical assertions and evidence for the classification (ClinVar ID: VCV001048040 /PMID: 19681861). Therefore, this variant is classified as Pathogenic according to the recommendation of ACMG/AMP guideline.

Variantyx, Inc.
Classification: Pathogenic for Recessive dystrophic epidermolysis bullosa. Last evaluated: 2025-03-24. Review status: criteria provided, single submitter. Criteria: Variantyx Assertion Criteria 2022. Collection method: clinical testing. Allele origin: germline.
Comment: This is a nonsense variant in the COL7A1 gene (OMIM: 120120). Pathogenic variants in this gene have been associated with autosomal recessive epidermolysis bullosa dystrophica. This variant introduces a premature termination codon in exon 112 out of 119. It is expected to result in loss of function, which is a known disease mechanism for COL7A1 in this disorder (PMID: 36287101) (PVS1). This variant has been identified in the homozygous or compound heterozygous state in at least 3 individuals from the published literature (PMID:19681861, 33274474, 36287101, 37273692, 37850631) (PM3) This variant has a 0.0035% maximum allele frequency in non-founder control populations (PM2_Supporting). Based on the current evidence, this variant is classified as pathogenic for autosomal recessive epidermolysis bullosa dystrophica.

Labcorp Genetics (formerly Invitae), Labcorp
Classification: Pathogenic. Last evaluated: 2024-09-08. Review status: criteria provided, single submitter. Criteria: Invitae Variant Classification Sherloc (09022015). Collection method: clinical testing. Allele origin: germline.
Comment: This sequence change creates a premature translational stop signal (p.Arg1763*) in the COL7A1 gene. It is expected to result in an absent or disrupted protein product. Loss-of-function variants in COL7A1 are known to be pathogenic (PMID: 16971478). This variant is present in population databases (no rsID available, gnomAD 0.0009%). This premature translational stop signal has been observed in individual(s) with autosomal recessive epidermolysis bullosa dystrophica (PMID: 19681861, 33274474). ClinVar contains an entry for this variant (Variation ID: 1048040). For these reasons, this variant has been classified as Pathogenic.

Myriad Genetics, Inc.
Classification: Pathogenic for Recessive dystrophic epidermolysis bullosa. Last evaluated: 2024-06-15. Review status: criteria provided, single submitter. Criteria: Myriad Autosomal Dominant, Autosomal Recessive and X-Linked Classification Criteria (2023). Collection method: clinical testing. Allele origin: unknown.
Comment: NM_000094.3(COL7A1):c.5287C>T(R1763*) is expected to be pathogenic in the context of dystrophic epidermolysis bullosa. This variant is predicted to lead to an abnormal or absent protein product due to the creation of a premature termination codon in COL7A1, a gene where loss-of-function variants are known to be pathogenic. Please note: this variant was assessed in the context of healthy population screening.

Revvity Omics, Revvity
Classification: Pathogenic. Last evaluated: 2020-05-19. Review status: criteria provided, single submitter. Criteria: ACMG Guidelines, 2015. Collection method: clinical testing. Allele origin: germline.

Biomedical Innovation Departament, CIEMAT
Classification: Pathogenic for Dystrophic epidermolysis bullosa. Last evaluated: 2018-06-20. Review status: criteria provided, single submitter. Criteria: ACMG Guidelines, 2015. Collection method: research. Allele origin: germline. Affected: yes. Observed: 1 variant allele.

Literature cited by the submitters: PubMed 19681861 (cited by 3 submitters); PubMed 16971478 (cited by Labcorp Genetics (formerly Invitae), Labcorp); PubMed 33274474 (cited by Labcorp Genetics (formerly Invitae), Labcorp).